The following is an entry in ClinVar:

NM_000038.6(APC):c.7073C>T (p.Ser2358Phe)

Gene: APC (APC regulator of Wnt signaling pathway; plus strand). Cytogenetic location: 5q22.2.
Variant type: single nucleotide variant.
Coding change: c.7073C>T on transcript NM_000038.6 (MANE Select); coding-DNA position 7073, C replaced by T.
Protein change: p.Ser2358Phe; replaces serine 2358 with phenylalanine.
Molecular consequence: missense variant.
Genome position (GRCh38, 1-based): chr5:112,842,667, C>T. VCF-style: chr5-112842667-C-T. GRCh37 (hg19) VCF-style: chr5-112178364-C-T.
Other names: c.7073C>T, p.Ser2358Phe (NM_001127510.3, NM_001354895.2); c.7019C>T, p.Ser2340Phe (NM_001127511.3); c.7127C>T, p.Ser2376Phe (NM_001354896.2); c.7103C>T, p.Ser2368Phe (NM_001354897.2); c.6998C>T, p.Ser2333Phe (NM_001354898.2); c.6989C>T, p.Ser2330Phe (NM_001354899.2); c.6950C>T, p.Ser2317Phe (NM_001354900.2); c.6896C>T, p.Ser2299Phe (NM_001354901.2); and 5 more; short protein forms S2075F, S2257F, S2330F, S2340F, S2358F, S2232F, S2299F, S2368F.
Identifiers: ClinVar variation 924440 (VCV000924440.3), dbSNP rs1766368729, ClinGen allele CA16036744.
Genomic context (GRCh38, chr5:112,842,667, plus strand): 5'-CTCCTAACAAATTATCTCAACTTCCAAGGACATCATCCCCTAGTACTGCTTCAACTAAGT[C>T]CTCAGGTTCTGGAAAAATGTCATATACATCTCCAGGTAGACAGATGAGCCAACAGAACCT-3'
Protein context (NP_000029.2, residues 2348-2368): TSSPSTASTK[Ser2358Phe]SGSGKMSYTS

ClinVar aggregate classification (germline): Uncertain significance. Review status: criteria provided, multiple submitters, no conflicts (2 of 4 stars). 2 submissions from 2 submitters: Uncertain significance (2). Last evaluated 2023-11-28.

Conditions:
Hereditary cancer-predisposing syndrome. Also called: Neoplastic Syndromes, Hereditary; Tumor predisposition; Hereditary Cancer Syndrome; Hereditary neoplastic syndrome. Identifiers: Orphanet 140162, MedGen C0027672, MeSH D009386, MONDO:0015356.

Allele frequency attached by ClinVar (database versions not stated): TOPMed below 0.00001; gnomAD 0.00001.
gnomAD v4.1: 1 of 1,613,580 alleles (0.000062%); highest among the groups gnomAD compares: Admixed American, 0.0017%; no homozygotes.

Submissions (2):

Ambry Genetics
Classification: Uncertain significance for Hereditary cancer-predisposing syndrome. Last evaluated: 2023-11-28. Review status: criteria provided, single submitter. Criteria: Ambry Variant Classification Scheme 2023. Collection method: clinical testing. Allele origin: germline.
Comment: The p.S2358F variant (also known as c.7073C>T), located in coding exon 15 of the APC gene, results from a C to T substitution at nucleotide position 7073. The serine at codon 2358 is replaced by phenylalanine, an amino acid with highly dissimilar properties. This amino acid position is conserved. In addition, in silico predictors for this gene do not accurately predict pathogenicity. Since supporting evidence is limited at this time, the clinical significance of this alteration remains unclear.

Color Diagnostics, LLC DBA Color Health
Classification: Uncertain significance for Hereditary cancer-predisposing syndrome. Last evaluated: 2019-05-14. Review status: criteria provided, single submitter. Criteria: ACMG Guidelines, 2015. Collection method: clinical testing. Allele origin: germline.